The following is an entry in ClinVar:

ClinVar aggregate classification (germline): Uncertain significance (1 of 4 stars; one submission).

gnomAD v4.1: 64 of 1,604,712 alleles (0.004%); highest among the groups gnomAD compares: Non-Finnish European, 0.0054%; no homozygotes.

Submission:

Athena Diagnostics
Classification: Uncertain significance. Last evaluated: 2022-11-08. Review status: criteria provided, single submitter. Criteria: Athena Diagnostics Criteria. Collection method: clinical testing. Allele origin: unknown.
Comment: Available data are insufficient to determine the clinical significance of the variant at this time. The frequency of this variant in the general population is uninformative in assessment of its pathogenicity. Computational tools predict that this variant is damaging.

NM_020247.5(COQ8A):c.1008C>G (p.Phe336Leu)

Gene: COQ8A (coenzyme Q8A; plus strand). Cytogenetic location: 1q42.13.
Variant type: single nucleotide variant.
Coding change: c.1008C>G on transcript NM_020247.5 (MANE Select); coding-DNA position 1008, C replaced by G.
Protein change: p.Phe336Leu; replaces phenylalanine 336 with leucine.
Molecular consequence: missense variant.
Genome position (GRCh38, 1-based): chr1:226,982,962, C>G. VCF-style: chr1-226982962-C-G. GRCh37 (hg19) VCF-style: chr1-227170663-C-G.
Other names: short protein forms F336L.
Identifiers: ClinVar variation 2684180 (VCV002684180.1), dbSNP rs758871135, ClinGen allele CA38645380.
Genomic context (GRCh38, chr1:226,982,962, plus strand): 5'-CAACAACGACCTGGGCCCCAACTGGCGGGACAAGTTGGAATACTTCGAGGAGCGGCCCTT[C>G]GCCGCCGCATCCATTGGGCAGGTGCACTTGGCCCGAATGAAGGGCGGCCGCGAGGTGGCC-3'
Protein context (NP_064632.2, residues 326-346): DKLEYFEERP[Phe336Leu]AAASIGQVHL